The following is an entry in ClinVar:

NM_032776.3(JMJD1C):c.4180A>T (p.Thr1394Ser)

Gene: JMJD1C (jumonji domain containing 1C; minus strand). Cytogenetic location: 10q21.3.
Variant type: single nucleotide variant.
Coding change: c.4180A>T on transcript NM_032776.3 (MANE Select); coding-DNA position 4180, A replaced by T.
Protein change: p.Thr1394Ser; replaces threonine 1394 with serine.
Molecular consequence: missense variant. On other transcripts: non-coding transcript variant (1).
Genome position (GRCh38, 1-based): chr10:63,207,489, T>A on the plus strand (A>T on the coding strand, the complement: JMJD1C is on the minus strand). VCF-style: chr10-63207489-T-A. GRCh37 (hg19) VCF-style: chr10-64967249-T-A.
Other names: c.3634A>T, p.Thr1212Ser (NM_001282948.2, NM_001318154.2); c.3316A>T, p.Thr1106Ser (NM_001318153.2); c.4066A>T, p.Thr1356Ser (NM_001322252.2); c.3523A>T, p.Thr1175Ser (NM_001322254.2, NM_001322258.2); short protein forms T1394S, T1212S, T1106S, T1175S, T1356S.
Identifiers: ClinVar variation 460244 (VCV000460244.25), dbSNP rs139881253, ClinGen allele CA5518314.
Genomic context (GRCh38, chr10:63,207,489, plus strand): 5'-AACCACCCCAGCTGGAAACACTGGTAGTATCGGCAGCAGATGTGATTACATCCGTTTTGG[T>A]ATTACACATCGTATTTACAGCAGACATGACTGAACTGGGAACACTGCCCTGTGAGACAGC-3'
Protein context (NP_116165.1, residues 1384-1404): VMSAVNTMCN[Thr1394Ser]KTDVITSAAD

ClinVar aggregate classification (germline): Likely benign. Review status: criteria provided, multiple submitters, no conflicts (2 of 4 stars). 3 submissions from 3 submitters: Likely benign (3). Last evaluated 2026-01-20.

Conditions:
Early Myoclonic Encephalopathy. Identifiers: MedGen C0270855.

Allele frequency attached by ClinVar (database versions not stated): 1000 Genomes Project 0.00060; 1000 Genomes Project 30x 0.00062; ESP Exome Variant Server 0.00066; ExAC 0.00070; gnomAD 0.00088; TOPMed 0.00108.
gnomAD v4.1: 1,191 of 1,614,206 alleles (0.074%); highest among the groups gnomAD compares: Middle Eastern, 2%; 7 homozygotes.

Submissions (3):

Labcorp Genetics (formerly Invitae), Labcorp
Classification: Likely benign for Early Myoclonic Encephalopathy. Last evaluated: 2026-01-20. Review status: criteria provided, single submitter. Criteria: Invitae Variant Classification Sherloc (09022015). Collection method: clinical testing. Allele origin: germline.

CeGaT Center for Human Genetics Tuebingen
Classification: Likely benign. Last evaluated: 2025-03-01. Review status: criteria provided, single submitter. Criteria: CeGaT Center For Human Genetics Tuebingen Variant Classification Criteria Version 2. Collection method: clinical testing. Allele origin: germline. Affected: yes. Observed: 2 variant alleles.
Comment: JMJD1C: BP4, BS1

Breakthrough Genomics
Classification: Likely benign. Review status: criteria provided, single submitter. Criteria: ACMG Guidelines, 2015. Collection method: not provided. Allele origin: germline. Inheritance: Unknown mechanism. Affected: yes.